The following is an entry in ClinVar:

NM_020442.6(VARS2):c.-27-156C>T

Gene: VARS2 (valyl-tRNA synthetase 2, mitochondrial; plus strand). Cytogenetic location: 6p21.33.
Variant type: single nucleotide variant.
Coding change: c.-27-156C>T on transcript NM_020442.6 (MANE Select); 156 bases into the intron before 27 bases upstream of the start codon, C replaced by T.
Molecular consequence: intron variant.
Genome position (GRCh38, 1-based): chr6:30,914,654, C>T. VCF-style: chr6-30914654-C-T. GRCh37 (hg19) VCF-style: chr6-30882431-C-T.
Other names: c.59-151C>T (NM_001167734.2); c.-220+310C>T (NM_001167733.3).
Identifiers: ClinVar variation 676459 (VCV000676459.1), dbSNP rs3218831, ClinGen allele CA136802475.
Genomic context (GRCh38, chr6:30,914,654, plus strand): 5'-TCCGGCCCTGTTCCGGAAGAGCCCTGATATCCGTGGCTCCATGGCGCTGTCTGTCGATAC[C>T]ATGCACTCTAGCTCTCAAGGAGGAAAGGTTTTGTGGAAGGGAATAGAGACTTGGAATAAC-3'

ClinVar aggregate classification (germline): Benign (1 of 4 stars; one submission).

Allele frequency attached by ClinVar (database versions not stated): gnomAD exomes 0.00212; 1000 Genomes Project 0.01857; gnomAD 0.01954 and 0.02126; 1000 Genomes Project 30x 0.02046; TOPMed 0.02280.
gnomAD v4.1: 5,014 of 1,043,288 alleles (0.48%); highest among the groups gnomAD compares: African/African-American, 6.7%; 130 homozygotes.

Submission:

GeneDx
Classification: Benign. Last evaluated: 2018-06-16. Review status: criteria provided, single submitter. Criteria: GeneDx Variant Classification (06012015). Collection method: clinical testing. Allele origin: germline. Affected: yes.
Comment: This variant is considered likely benign or benign based on one or more of the following criteria: it is a conservative change, it occurs at a poorly conserved position in the protein, it is predicted to be benign by multiple in silico algorithms, and/or has population frequency not consistent with disease.